The following is an entry in ClinVar:

NM_002693.3(POLG):c.1550G>A (p.Gly517Glu)

Gene: POLG (DNA polymerase gamma, catalytic subunit; minus strand). Cytogenetic location: 15q26.1.
Variant type: single nucleotide variant.
Coding change: c.1550G>A on transcript NM_002693.3 (MANE Select); coding-DNA position 1550, G replaced by A.
Protein change: p.Gly517Glu; replaces glycine 517 with glutamic acid.
Molecular consequence: missense variant.
Genome position (GRCh38, 1-based): chr15:89,326,947, C>T on the plus strand (G>A on the coding strand, the complement: POLG is on the minus strand). VCF-style: chr15-89326947-C-T. GRCh37 (hg19) VCF-style: chr15-89870178-C-T.
Other names: c.1550G>A, p.Gly517Glu (NM_001126131.2); short protein forms G517E.
Identifiers: ClinVar variation 2995218 (VCV002995218.3), dbSNP rs61752783, ClinGen allele CA393760770.

ClinVar aggregate classification (germline): Uncertain significance (1 of 4 stars; one submission).

Conditions:
Progressive sclerosing poliodystrophy (MTDPS4A). Also called: Mitochondrial DNA Depletion Syndrome 4A; ALPERS PROGRESSIVE INFANTILE POLIODYSTROPHY; NEURONAL DEGENERATION OF CHILDHOOD WITH LIVER DISEASE, PROGRESSIVE; Mitochondrial DNA depletion syndrome 4A (Alpers type); Alpers Syndrome; ALPERS DIFFUSE DEGENERATION OF CEREBRAL GRAY MATTER WITH HEPATIC CIRRHOSIS. Identifiers: Orphanet 726, MedGen C0205710, MONDO:0008758, OMIM 203700.

Submission:

Labcorp Genetics (formerly Invitae), Labcorp
Classification: Uncertain significance for Progressive sclerosing poliodystrophy. Last evaluated: 2023-10-10. Review status: criteria provided, single submitter. Criteria: Invitae Variant Classification Sherloc (09022015). Collection method: clinical testing. Allele origin: germline.
Comment: This sequence change replaces glycine, which is neutral and non-polar, with glutamic acid, which is acidic and polar, at codon 517 of the POLG protein (p.Gly517Glu). This variant is not present in population databases (gnomAD no frequency). This variant has not been reported in the literature in individuals affected with POLG-related conditions. Advanced modeling of protein sequence and biophysical properties (such as structural, functional, and spatial information, amino acid conservation, physicochemical variation, residue mobility, and thermodynamic stability) performed at Invitae indicates that this missense variant is not expected to disrupt POLG protein function. Algorithms developed to predict the effect of sequence changes on RNA splicing suggest that this variant may disrupt the consensus splice site. In summary, the available evidence is currently insufficient to determine the role of this variant in disease. Therefore, it has been classified as a Variant of Uncertain Significance.